The following is an entry in ClinVar:

ClinVar aggregate classification (germline): Uncertain significance (1 of 4 stars; one submission).

Conditions:
Dilated cardiomyopathy 1G (CMD1G). Identifiers: Orphanet 154, MedGen C1858763, MONDO:0011400, OMIM 604145.
Autosomal recessive limb-girdle muscular dystrophy type 2J (LGMDR10). Also called: Limb-girdle muscular dystrophy, type 2J; MUSCULAR DYSTROPHY, LIMB-GIRDLE, AUTOSOMAL RECESSIVE 10. Identifiers: Orphanet 140922, MedGen C1837342, MONDO:0012127, OMIM 608807.

Submission:

Labcorp Genetics (formerly Invitae), Labcorp
Classification: Uncertain significance for Dilated cardiomyopathy 1G; Autosomal recessive limb-girdle muscular dystrophy type 2J. Last evaluated: 2020-07-02. Review status: criteria provided, single submitter. Criteria: Invitae Variant Classification Sherloc (09022015). Collection method: clinical testing. Allele origin: germline.
Comment: This variant is not present in population databases (ExAC no frequency). In summary, the available evidence is currently insufficient to determine the role of this variant in disease. Therefore, it has been classified as a Variant of Uncertain Significance. Algorithms developed to predict the effect of sequence changes on RNA splicing suggest that this variant may create or strengthen a splice site, but this prediction has not been confirmed by published transcriptional studies. This variant has not been reported in the literature in individuals with TTN-related conditions. This sequence change replaces threonine with serine at codon 35400 of the TTN protein (p.Thr35400Ser). There is a small physicochemical difference between threonine and serine.

NM_001267550.2(TTN):c.106199C>G (p.Thr35400Ser)

Genes: TTN-AS1 (TTN antisense RNA 1; plus strand), TTN (titin; minus strand). Cytogenetic location: 2q31.2.
Variant type: single nucleotide variant.
Coding change: c.106199C>G on transcript NM_001267550.2 (MANE Select); coding-DNA position 106199, C replaced by G.
Protein change: p.Thr35400Ser; replaces threonine 35400 with serine.
Molecular consequence: missense variant.
Genome position (GRCh38, 1-based): chr2:178,530,416, G>C on the plus strand (C>G on the coding strand, the complement: TTN is on the minus strand). VCF-style: chr2-178530416-G-C. GRCh37 (hg19) VCF-style: chr2-179395143-G-C.
Other names: c.101276C>G, p.Thr33759Ser (NM_001256850.1); c.79004C>G, p.Thr26335Ser (NM_003319.4); c.98495C>G, p.Thr32832Ser (NM_133378.4); c.79379C>G, p.Thr26460Ser (NM_133432.3); c.79580C>G, p.Thr26527Ser (NM_133437.4); short protein forms T26335S, T35400S, T26460S, T26527S, T32832S, T33759S.
Identifiers: ClinVar variation 1041275 (VCV001041275.7), dbSNP rs906681609, ClinGen allele CA349406649.